The following is an entry in ClinVar:

ClinVar aggregate classification (germline): Uncertain significance. Review status: criteria provided, multiple submitters, no conflicts (2 of 4 stars). 3 submissions from 3 submitters: Uncertain significance (3). Last evaluated 2026-07-06.

Conditions:
Aortic aneurysm, familial thoracic 8 (AAT8). Identifiers: MedGen C3809513, MONDO:0014187, OMIM 615436.
PRKG1-related disorder. Also called: PRKG1-related condition.
Familial thoracic aortic aneurysm and aortic dissection (TAAD). Also called: Thoracic aortic aneurysms and dissections. Identifiers: Orphanet 91387, MedGen C4707243, MONDO:0019625.

Allele frequency attached by ClinVar (database versions not stated): TOPMed below 0.00001.

Submissions (3):

PreventionGenetics, part of Exact Sciences
Classification: Uncertain significance for PRKG1-related condition. Last evaluated: 2026-07-06. Review status: criteria provided, single submitter. Criteria: ACMG Guidelines, 2015. Collection method: clinical testing. Allele origin: germline.
Comment: The PRKG1 c.1841C>T variant is predicted to result in the amino acid substitution p.Pro614Leu. To our knowledge, this variant has not been reported in the literature or in a large population database (gnomAD), indicating this variant is rare. At this time, the clinical significance of this variant is uncertain due to the absence of conclusive functional and genetic evidence.

Labcorp Genetics (formerly Invitae), Labcorp
Classification: Uncertain significance for Aortic aneurysm, familial thoracic 8. Last evaluated: 2025-12-17. Review status: criteria provided, single submitter. Criteria: Invitae Variant Classification Sherloc (09022015). Collection method: clinical testing. Allele origin: germline.
Comment: This sequence change replaces proline, which is neutral and non-polar, with leucine, which is neutral and non-polar, at codon 614 of the PRKG1 protein (p.Pro614Leu). This variant is not present in population databases (gnomAD no frequency). This variant has not been reported in the literature in individuals affected with PRKG1-related conditions. ClinVar contains an entry for this variant (Variation ID: 3218855). An algorithm developed to predict the effect of missense changes on protein structure and function (PolyPhen-2) suggests that this variant is likely to be disruptive. In summary, the available evidence is currently insufficient to determine the role of this variant in disease. Therefore, it has been classified as a Variant of Uncertain Significance.

Ambry Genetics
Classification: Uncertain significance for Familial thoracic aortic aneurysm and aortic dissection. Last evaluated: 2023-12-09. Review status: criteria provided, single submitter. Criteria: Ambry Variant Classification Scheme 2023. Collection method: clinical testing. Allele origin: germline.

NM_006258.4(PRKG1):c.1841C>T (p.Pro614Leu)

Gene: PRKG1 (protein kinase cGMP-dependent 1; plus strand). Cytogenetic location: 10q21.1.
Variant type: single nucleotide variant.
Coding change: c.1841C>T on transcript NM_006258.4 (MANE Select); coding-DNA position 1841, C replaced by T.
Protein change: p.Pro614Leu; replaces proline 614 with leucine.
Molecular consequence: missense variant.
Genome position (GRCh38, 1-based): chr10:52,288,939, C>T. VCF-style: chr10-52288939-C-T. GRCh37 (hg19) VCF-style: chr10-54048699-C-T.
Other names: c.1796C>T, p.Pro599Leu (NM_001098512.3); c.632C>T, p.Pro211Leu (NM_001374781.1); short protein forms P599L, P211L, P614L.
Identifiers: ClinVar variation 3218855 (VCV003218855.3), dbSNP rs1842179210, ClinGen allele CA376536421.